The following is an entry in ClinVar:

ClinVar aggregate classification (germline): Benign (1 of 4 stars; one submission).

Allele frequency attached by ClinVar (database versions not stated): gnomAD exomes 0.00031; 1000 Genomes Project 30x 0.00078; 1000 Genomes Project 0.00120.

Submission:

CeGaT Center for Human Genetics Tuebingen
Classification: Benign. Last evaluated: 2022-03-01. Review status: criteria provided, single submitter. Criteria: CeGaT Center For Human Genetics Tuebingen Variant Classification Criteria Version 2. Collection method: clinical testing. Allele origin: germline. Affected: yes. Observed: 1 variant allele.
Comment: HRNR: BS1, BS2

NM_001009931.3(HRNR):c.8030G>C (p.Arg2677Pro)

Genes: CCDST (cervical cancer associated DHX9 suppressive transcript; plus strand), HRNR (hornerin; minus strand). Cytogenetic location: 1q21.3.
Variant type: single nucleotide variant.
Coding change: c.8030G>C on transcript NM_001009931.3 (MANE Select); coding-DNA position 8030, G replaced by C.
Protein change: p.Arg2677Pro; replaces arginine 2677 with proline.
Molecular consequence: missense variant.
Genome position (GRCh38, 1-based): chr1:152,213,599, C>G on the plus strand (G>C on the coding strand, the complement: HRNR is on the minus strand). VCF-style: chr1-152213599-C-G. GRCh37 (hg19) VCF-style: chr1-152186075-C-G.
Other names: short protein forms R2677P.
Identifiers: ClinVar variation 2639196 (VCV002639196.24), dbSNP rs201827906, ClinGen allele CA1100054.
Genomic context (GRCh38, chr1:152,213,599, plus strand): 5'-TGTTGACCAAAGACAGAAGAGTGACCCAAGCGAGACTCATATGGGCCACGGCTGGAAGAA[C>G]GACCTGAGCCAGACCCATGTTGGCCGTGGCTGGAGGAGTGCCCCAAACCGGACCCATGTC-3'
Protein context (NP_001009931.1, residues 2667-2687): SHGQHGSGSG[Arg2677Pro]SSSRGPYESR